The following is an entry in ClinVar:

ClinVar aggregate classification (germline): Uncertain significance (1 of 4 stars; one submission).

Allele frequency attached by ClinVar (database versions not stated): ExAC 0.00002; gnomAD exomes 0.00002.
gnomAD v4.1: 6 of 1,611,650 alleles (0.00037%); highest among the groups gnomAD compares: Admixed American, 0.0084%; no homozygotes.

Submission:

Labcorp Genetics (formerly Invitae), Labcorp
Classification: Uncertain significance. Last evaluated: 2024-05-20. Review status: criteria provided, single submitter. Criteria: Invitae Variant Classification Sherloc (09022015). Collection method: clinical testing. Allele origin: germline.
Comment: This sequence change replaces glycine, which is neutral and non-polar, with valine, which is neutral and non-polar, at codon 372 of the MYO18B protein (p.Gly372Val). This variant is present in population databases (rs267606196, gnomAD 0.01%). This variant has not been reported in the literature in individuals affected with MYO18B-related conditions. ClinVar contains an entry for this variant (Variation ID: 1513340). Algorithms developed to predict the effect of missense changes on protein structure and function output the following: SIFT: "Not Available"; PolyPhen-2: "Benign"; Align-GVGD: "Not Available". The valine amino acid residue is found in multiple mammalian species, which suggests that this missense change does not adversely affect protein function. In summary, the available evidence is currently insufficient to determine the role of this variant in disease. Therefore, it has been classified as a Variant of Uncertain Significance.

NM_032608.7(MYO18B):c.1115G>T (p.Gly372Val)

Gene: MYO18B (myosin XVIIIB; plus strand). Cytogenetic location: 22q12.1.
Variant type: single nucleotide variant.
Coding change: c.1115G>T on transcript NM_032608.7 (MANE Select); coding-DNA position 1115, G replaced by T.
Protein change: p.Gly372Val; replaces glycine 372 with valine.
Molecular consequence: missense variant.
Genome position (GRCh38, 1-based): chr22:25,769,031, G>T. VCF-style: chr22-25769031-G-T. GRCh37 (hg19) VCF-style: chr22-26164998-G-T.
Other names: c.1115G>T, p.Gly372Val (NM_001318245.2); short protein forms G372V.
Identifiers: ClinVar variation 1513340 (VCV001513340.6), dbSNP rs267606196, ClinGen allele CA10159757.